The following is an entry in ClinVar:

ClinVar aggregate classification (germline): Uncertain significance. Review status: reviewed by expert panel (3 of 4 stars). 4 submissions from 4 submitters: Uncertain significance (1). 3 of the submissions do not count toward it. Last evaluated 2026-07-22.

Conditions:
Complex neurodevelopmental disorder. Identifiers: Orphanet 528084, MedGen C5568766, MONDO:0100038.
Inborn genetic diseases. Identifiers: MedGen C0950123, MeSH D030342.
Developmental and epileptic encephalopathy, 11 (DEE11). Also called: Early infantile epileptic encephalopathy 11. Identifiers: Orphanet 1934, MedGen C3150987, MONDO:0013388, OMIM 613721.
Seizures, benign familial infantile, 3 (BFIS3). Also called: Familial neonatal seizures; CONVULSIONS, BENIGN FAMILIAL INFANTILE, 3. Identifiers: Orphanet 140927, Orphanet 306, MedGen C1843140, MONDO:0011904, OMIM 607745.

Allele frequency attached by ClinVar (database versions not stated): TOPMed below 0.00001; gnomAD 0.00001.

Submissions (5):

ClinGen Epilepsy Sodium Channel Variant Curation Expert Panel, Clingen
Classification: Uncertain significance for Complex neurodevelopmental disorder. Last evaluated: 2026-07-22. Review status: reviewed by expert panel. Criteria: ClinGen EpilepsySCN ACMG Specifications SCN2A V2.0.0. Collection method: curation. Allele origin: germline. Inheritance: Autosomal dominant inheritance.
Comment: The c.2695G>A variant in SCN2A is a missense variant predicted to cause substitution of Glycine by Serine at amino acid 899 (p.Gly899Ser). This variant has been identified as a de novo occurrence with unconfirmed parental relationships in 1 individual with complex neurodevelopmental disorder (PM6_Supporting; PMID28379373). This variant has been reported in 4 individuals meeting complex neurodevelopmental disorder and was inherited from an asymptomatic parent in each case (Internal lab contributors). PS4 cannot be applied because of its frequency in gnomAD. This variant has been observed in an additional 5 individuals with no features or family history of complex neurodevelopmental disorder, a condition with full penetrance at an early age (BS2; internal lab contributors). The highest population minor allele frequency in gnomAD v4 is 0.0003390% (4/1179992 alleles) in European (non-Finnish) population, which is higher than the ClinGen Epilepsy Sodium Channel VCEP threshold (>0.0002%) for BS1, and therefore meets this criterion (BS1). Voltage clamping in human tsA201 cells showed a shift in steady state activation by 2.2mV, indicating that this variant impacts protein function (PMID 28379373)(PS3). The computational predictor REVEL gives a score of 0.978, which is above the threshold of 0.644, evidence that correlates with impact to SCN2A function (PP3_Moderate). This variant resides within a Pathogenic Enriched Region, amino acids 895-903, of SCN2A that is defined as a mutational hotspot and/or critical functional domain by the ClinGen Epilepsy Sodium Channel VCEP (PM1). Another missense variant c.2696G>A (p.Gly899Asp) (ClinVar Variation ID 206975) in the same codon of SCN2A has been classified as likely pathogenic for complex neurodevelopmental disorder by the ClinGen Epilepsy Sodium Channel VCEP (PM5_Supporting). Another missense variant in the same codon of a paralogous gene have been classified as likely pathogenic by the ClinGen Epilepsy Sodium Channel VCEP: SCN1A:c.2722G>C (p.Gly908Arg) (ClinVar Variation ID 206786). The same amino acid change in paralogous genes has been reported: SCN1A:c.2722G>A (p.Gly908Ser), SCN3A:c.2698G>A (p.Gly900Ser)(ClinVar Variation IDs 1695472, 661395). However, these variants have not yet met the criteria to be classified as pathogenic or likely pathogenic by the ClinGen Epileps Sodium Channel VCEP. In summary, this variant meets the criteria to be classified as uncertain significance for autosomal dominant complex neurodevelopmental disorder based on the ACMG/AMP criteria applied, as specified by the ClinGen Epilepsy Sodium Channel VCEP: BS1, BS2, PS3, PP3_Moderate, PM1, PM5_Supporting, PM6_Supporting (VCEP specifications v2.0.0; July 22, 2026)

GeneDx
Classification: Uncertain significance. Last evaluated: 2026-09-09. Review status: criteria provided, single submitter. Criteria: GeneDx Variant Classification Process June 2021. Collection method: clinical testing. Allele origin: germline. Not counted in ClinVar's aggregate classification.
Comment: In silico analysis supports that this missense variant has a deleterious effect on protein structure/function; This substitution is predicted to be within the extracellular loop between the S5 and S6 transmembrane segments of the second homologous domain; Published functional studies demonstrate a depolarizing shift of the channel activation curve compared to wild-type, suggesting loss of function (PMID: 28379373); This variant is associated with the following publications: (PMID: 32400968, 28379373, 33004838, 31904126, 32090326)

Ambry Genetics
Classification: Uncertain significance for Inborn genetic diseases. Last evaluated: 2026-06-10. Review status: criteria provided, single submitter. Criteria: Ambry Variant Classification Scheme 2023. Collection method: clinical testing. Allele origin: germline. Not counted in ClinVar's aggregate classification.
Comment: The p.G899S variant (also known as c.2695G>A), located in coding exon 15 of the SCN2A gene, results from a G to A substitution at nucleotide position 2695. The glycine at codon 899 is replaced by serine, an amino acid with similar properties. This amino acid position is highly conserved in available vertebrate species. In addition, this alteration is predicted to be deleterious by in silico analysis. Functional studies of sodium channel kinetics are indeterminate; however, the physiological relevance of this finding is unclear (Wolff M et al. Brain, 2017 May;140:1316-1336). Based on the available evidence, the clinical significance of this variant remains unclear.

Labcorp Genetics (formerly Invitae), Labcorp
Classification: Pathogenic for Seizures, benign familial infantile, 3; Developmental and epileptic encephalopathy, 11. Last evaluated: 2025-08-28. Review status: criteria provided, single submitter. Criteria: Invitae Variant Classification Sherloc (09022015). Collection method: clinical testing. Allele origin: germline. Not counted in ClinVar's aggregate classification.
Comment: This sequence change replaces glycine, which is neutral and non-polar, with serine, which is neutral and polar, at codon 899 of the SCN2A protein (p.Gly899Ser). This variant is not present in population databases (gnomAD no frequency). This missense change has been observed in individual(s) with clinical features of developmental and epileptic encephalopathy (PMID: 28379373). In at least one individual the variant was observed to be de novo. ClinVar contains an entry for this variant (Variation ID: 206974). Invitae Evidence Modeling of protein sequence and biophysical properties (such as structural, functional, and spatial information, amino acid conservation, physicochemical variation, residue mobility, and thermodynamic stability) indicates that this missense variant is expected to disrupt SCN2A protein function with a positive predictive value of 95%. Experimental studies have shown that this missense change affects SCN2A function (PMID: 28379373). For these reasons, this variant has been classified as Pathogenic.

Channelopathy-Associated Epilepsy Research Center
No classification provided (evidence only). Condition: Complex neurodevelopmental disorder. Review status: no classification provided. Collection method: literature only. Allele origin: not applicable. Functional consequence: Normal slope of activation, Normal voltage dependence of activation, Normal slope of fast inactivation, Normal fast inactivation, Normal peak current, Normal persistent current, Normal rate of recovery from fast inactivation, Mild depolarizing shift of voltage dependence of activation, Overall loss-of-function. Not counted in ClinVar's aggregate classification.
ClinVar note: "not provided" was previously submitted as the classification for the variant. However, the classification appeared to be based only on an observation of functional data so it was converted to no classification on 2025-07-30.

Literature cited by the submitters: PubMed 28379373 (cited by 3 submitters).

NM_001040142.2(SCN2A):c.2695G>A (p.Gly899Ser)

Gene: SCN2A (sodium voltage-gated channel alpha subunit 2; plus strand). Cytogenetic location: 2q24.3.
Variant type: single nucleotide variant.
Coding change: c.2695G>A on transcript NM_001040142.2 (MANE Select); coding-DNA position 2695, G replaced by A.
Protein change: p.Gly899Ser; replaces glycine 899 with serine.
Molecular consequence: missense variant.
Genome position (GRCh38, 1-based): chr2:165,344,687, G>A. VCF-style: chr2-165344687-G-A. GRCh37 (hg19) VCF-style: chr2-166201197-G-A.
Other names: p.G899S:GGC>AGC; NM_001040142.2(SCN2A):c.2695G>A; p.Gly899Ser; c.2695G>A, p.Gly899Ser (NM_001040143.2, NM_001371246.1, NM_001371247.1 and 1 more transcripts); short protein forms G899S.
Identifiers: ClinVar variation 206974 (VCV000206974.12), dbSNP rs796053120, ClinGen allele CA317892.